The following is an entry in ClinVar:

ClinVar aggregate classification (germline): Uncertain significance (1 of 4 stars; one submission).

Allele frequency attached by ClinVar (database versions not stated): gnomAD exomes below 0.00001.
gnomAD v4.1: 4 of 1,572,270 alleles (0.00025%); highest among the groups gnomAD compares: Non-Finnish European, 0.00035%; no homozygotes.

Submission:

GeneDx
Classification: Uncertain significance. Last evaluated: 2025-01-09. Review status: criteria provided, single submitter. Criteria: GeneDx Variant Classification Process June 2021. Collection method: clinical testing. Allele origin: germline. Affected: yes.
Comment: In silico analysis indicates that this missense variant does not alter protein structure/function; Not observed at significant frequency in large population cohorts (gnomAD); This variant is associated with the following publications: (PMID: 27499327, 37372410, 33168999, 23431072)

NM_001009944.3(PKD1):c.9361G>A (p.Glu3121Lys)

Gene: PKD1 (polycystin 1, transient receptor potential channel interacting; minus strand). Cytogenetic location: 16p13.3.
Variant type: single nucleotide variant.
Coding change: c.9361G>A on transcript NM_001009944.3 (MANE Select); coding-DNA position 9361, G replaced by A.
Protein change: p.Glu3121Lys; replaces glutamic acid 3121 with lysine.
Molecular consequence: missense variant.
Genome position (GRCh38, 1-based): chr16:2,102,097, C>T on the plus strand (G>A on the coding strand, the complement: PKD1 is on the minus strand). VCF-style: chr16-2102097-C-T. GRCh37 (hg19) VCF-style: chr16-2152098-C-T.
Other names: c.9361G>A, p.Glu3121Lys (NM_000296.4); short protein forms E3121K.
Identifiers: ClinVar variation 1695890 (VCV001695890.4), dbSNP rs1281821418, ClinGen allele CA394357735.